The following is an entry in ClinVar:

NM_139058.3(ARX):c.70C>T (p.Leu24Phe)

Gene: ARX (aristaless related homeobox; minus strand). Cytogenetic location: Xp21.3.
Variant type: single nucleotide variant.
Coding change: c.70C>T on transcript NM_139058.3 (MANE Select); coding-DNA position 70, C replaced by T.
Protein change: p.Leu24Phe; replaces leucine 24 with phenylalanine.
Molecular consequence: missense variant.
Genome position (GRCh38, 1-based): chrX:25,015,668, G>A on the plus strand (C>T on the coding strand, the complement: ARX is on the minus strand). VCF-style: chrX-25015668-G-A. GRCh37 (hg19) VCF-style: chrX-25033785-G-A.
Other names: short protein forms L24F.
Identifiers: ClinVar variation 3764051 (VCV003764051.2).

ClinVar aggregate classification (germline): Uncertain significance (1 of 4 stars; one submission).

Conditions:
Intellectual disability, X-linked, with or without seizures, ARX-related. Also called: MENTAL RETARDATION, X-LINKED 29; MENTAL RETARDATION, X-LINKED 32; MENTAL RETARDATION, X-LINKED 33; MENTAL RETARDATION, X-LINKED 38; MENTAL RETARDATION, X-LINKED 43; MENTAL RETARDATION, X-LINKED 76. Identifiers: Orphanet 777, MedGen C0796244, MONDO:0010317, OMIM 300419.
Developmental and epileptic encephalopathy, 1 (DEE1). Also called: INFANTILE SPASM SYNDROME, X-LINKED 1; X-linked infantile spasms; West's syndrome; Tonic spasms with clustering, arrest of psychomotor development and hypsarrhythmia on EEG; X-Linked Infantile Spasm Syndrome; OHTAHARA SYNDROME, X-LINKED. Identifiers: MedGen C3463992, MONDO:0010632, OMIM 308350. Disease mechanism: loss of function.

gnomAD v4.1: 9 of 1,208,322 alleles (0.00074%); highest among the groups gnomAD compares: South Asian, 0.016%; no homozygotes.

Submission:

Labcorp Genetics (formerly Invitae), Labcorp
Classification: Uncertain significance for Developmental and epileptic encephalopathy, 1; Intellectual disability, X-linked, with or without seizures, ARX-related. Last evaluated: 2024-08-11. Review status: criteria provided, single submitter. Criteria: Invitae Variant Classification Sherloc (09022015). Collection method: clinical testing. Allele origin: germline.
Comment: This sequence change replaces leucine, which is neutral and non-polar, with phenylalanine, which is neutral and non-polar, at codon 24 of the ARX protein (p.Leu24Phe). This variant is not present in population databases (gnomAD no frequency). This variant has not been reported in the literature in individuals affected with ARX-related conditions. Advanced modeling of protein sequence and biophysical properties (such as structural, functional, and spatial information, amino acid conservation, physicochemical variation, residue mobility, and thermodynamic stability) has been performed at Invitae for this missense variant, however the output from this modeling did not meet the statistical confidence thresholds required to predict the impact of this variant on ARX protein function. In summary, the available evidence is currently insufficient to determine the role of this variant in disease. Therefore, it has been classified as a Variant of Uncertain Significance.